The following is an entry in ClinVar:

NM_001366145.2(TRPM3):c.1100G>A (p.Arg367Gln)

Gene: TRPM3 (transient receptor potential cation channel subfamily M member 3; minus strand). Cytogenetic location: 9q21.12.
Variant type: single nucleotide variant.
Coding change: c.1100G>A on transcript NM_001366145.2 (MANE Select); coding-DNA position 1100, G replaced by A.
Protein change: p.Arg367Gln; replaces arginine 367 with glutamine.
Molecular consequence: missense variant.
Genome position (GRCh38, 1-based): chr9:70,784,153, C>T on the plus strand (G>A on the coding strand, the complement: TRPM3 is on the minus strand). VCF-style: chr9-70784153-C-T. GRCh37 (hg19) VCF-style: chr9-73399069-C-T.
Other names: c.716G>A, p.Arg239Gln (NM_001007470.3, NM_206946.5, NM_206947.5); c.1100G>A, p.Arg367Gln (NM_001007471.4, NM_001366146.2, NM_001366149.2 and 3 more transcripts); c.1106G>A, p.Arg369Gln (NM_001366141.2, NM_001366142.2, NM_001366143.2 and 1 more transcripts); c.1175G>A, p.Arg392Gln (NM_001366147.2, NM_001366148.2, NM_001366152.2); c.641G>A, p.Arg214Gln (NM_001366154.2, NM_020952.6, NM_024971.7 and 3 more transcripts); short protein forms R214Q, R239Q, R367Q, R369Q, R392Q.
Identifiers: ClinVar variation 2506696 (VCV002506696.1), dbSNP rs768127060, ClinGen allele CA5078710.

ClinVar aggregate classification (germline): Uncertain significance (1 of 4 stars; one submission).

Allele frequency attached by ClinVar (database versions not stated): gnomAD exomes below 0.00001; ExAC 0.00001.
gnomAD v4.1: 3 of 1,613,688 alleles (0.00019%); highest among the groups gnomAD compares: Admixed American, 0.0017%; no homozygotes.

Submission:

GeneDx
Classification: Uncertain significance. Last evaluated: 2022-12-15. Review status: criteria provided, single submitter. Criteria: GeneDx Variant Classification Process June 2021. Collection method: clinical testing. Allele origin: germline. Affected: yes.
Comment: Not observed at significant frequency in large population cohorts (gnomAD); In silico analysis supports that this missense variant has a deleterious effect on protein structure/function; Has not been previously published as pathogenic or benign to our knowledge